The following is an entry in ClinVar:

ClinVar aggregate classification (germline): Uncertain significance (1 of 4 stars; one submission).

Allele frequency attached by ClinVar (database versions not stated): gnomAD exomes below 0.00001; gnomAD 0.00001; TOPMed 0.00001.
gnomAD v4.1: 2 of 1,614,104 alleles (0.00012%); highest among the groups gnomAD compares: Admixed American, 0.0017%; no homozygotes.

Submission:

Labcorp Genetics (formerly Invitae), Labcorp
Classification: Uncertain significance. Last evaluated: 2022-10-24. Review status: criteria provided, single submitter. Criteria: Invitae Variant Classification Sherloc (09022015). Collection method: clinical testing. Allele origin: germline.
Comment: This sequence change replaces leucine, which is neutral and non-polar, with valine, which is neutral and non-polar, at codon 1451 of the ERCC6 protein (p.Leu1451Val). This variant is not present in population databases (gnomAD no frequency). This variant has not been reported in the literature in individuals affected with ERCC6-related conditions. Advanced modeling of protein sequence and biophysical properties (such as structural, functional, and spatial information, amino acid conservation, physicochemical variation, residue mobility, and thermodynamic stability) performed at Invitae indicates that this missense variant is not expected to disrupt ERCC6 protein function. In summary, the available evidence is currently insufficient to determine the role of this variant in disease. Therefore, it has been classified as a Variant of Uncertain Significance.

NM_000124.4(ERCC6):c.4351C>G (p.Leu1451Val)

Gene: ERCC6 (ERCC excision repair 6, chromatin remodeling factor; minus strand). Cytogenetic location: 10q11.23.
Variant type: single nucleotide variant.
Coding change: c.4351C>G on transcript NM_000124.4 (MANE Select); coding-DNA position 4351, C replaced by G.
Protein change: p.Leu1451Val; replaces leucine 1451 with valine.
Molecular consequence: missense variant.
Genome position (GRCh38, 1-based): chr10:49,458,946, G>C on the plus strand (C>G on the coding strand, the complement: ERCC6 is on the minus strand). VCF-style: chr10-49458946-G-C. GRCh37 (hg19) VCF-style: chr10-50666992-G-C.
Other names: c.4351C>G, p.Leu1451Val (NM_001346440.2); short protein forms L1451V.
Identifiers: ClinVar variation 2414421 (VCV002414421.3), dbSNP rs1850527199, ClinGen allele CA376703140.